The following is an entry in ClinVar:

ClinVar aggregate classification (germline): Uncertain significance (1 of 4 stars; one submission).

Conditions:
Hereditary cancer-predisposing syndrome. Also called: Neoplastic Syndromes, Hereditary; Tumor predisposition; Hereditary Cancer Syndrome; Hereditary neoplastic syndrome. Identifiers: Orphanet 140162, MedGen C0027672, MeSH D009386, MONDO:0015356.

Submission:

Ambry Genetics
Classification: Uncertain significance for Hereditary cancer-predisposing syndrome. Last evaluated: 2026-05-04. Review status: criteria provided, single submitter. Criteria: Ambry Variant Classification Scheme 2023. Collection method: clinical testing. Allele origin: germline.
Comment: The p.R748M variant (also known as c.2243G>T), located in coding exon 15 of the PDGFRA gene, results from a G to T substitution at nucleotide position 2243. The arginine at codon 748 is replaced by methionine, an amino acid with similar properties. This amino acid position is conserved. In addition, this alteration is predicted to be tolerated by in silico analysis. Based on the available evidence, the clinical significance of this variant remains unclear.

NM_006206.6(PDGFRA):c.2243G>T (p.Arg748Met)

Gene: PDGFRA (platelet derived growth factor receptor alpha; plus strand). Cytogenetic location: 4q12.
Variant type: single nucleotide variant.
Coding change: c.2243G>T on transcript NM_006206.6 (MANE Select); coding-DNA position 2243, G replaced by T.
Protein change: p.Arg748Met; replaces arginine 748 with methionine.
Molecular consequence: missense variant.
Genome position (GRCh38, 1-based): chr4:54,280,402, G>T. VCF-style: chr4-54280402-G-T. GRCh37 (hg19) VCF-style: chr4-55146569-G-T.
Other names: c.2243G>T, p.Arg748Met (NM_001347827.2, NM_001347829.2); c.2318G>T, p.Arg773Met (NM_001347828.2); c.2282G>T, p.Arg761Met (NM_001347830.2); short protein forms R748M, R761M, R773M.
Identifiers: ClinVar variation 4861740 (VCV004861740.1).